The following is an entry in ClinVar:

NM_052844.4(DYNC2I2):c.50G>A (p.Gly17Asp)

Gene: DYNC2I2 (dynein 2 intermediate chain 2; minus strand). Cytogenetic location: 9q34.11.
Variant type: single nucleotide variant.
Coding change: c.50G>A on transcript NM_052844.4 (MANE Select); coding-DNA position 50, G replaced by A.
Protein change: p.Gly17Asp; replaces glycine 17 with aspartic acid.
Molecular consequence: missense variant.
Genome position (GRCh38, 1-based): chr9:128,656,677, C>T on the plus strand (G>A on the coding strand, the complement: DYNC2I2 is on the minus strand). VCF-style: chr9-128656677-C-T. GRCh37 (hg19) VCF-style: chr9-131418956-C-T.
Other names: short protein forms G17D.
Identifiers: ClinVar variation 2114490 (VCV002114490.4), dbSNP rs2132190679, ClinGen allele CA375051657.

ClinVar aggregate classification (germline): Uncertain significance (1 of 4 stars; one submission).

Conditions:
Short-rib thoracic dysplasia 11 with or without polydactyly (SRTD11). Also called: SHORT-RIB THORACIC DYSPLASIA 11 WITHOUT POLYDACTYLY. Identifiers: Orphanet 474, Orphanet 93271, MedGen C3810200, MONDO:0014287, OMIM 615633.

Allele frequency attached by ClinVar (database versions not stated): gnomAD exomes below 0.00001.
gnomAD v4.1: 4 of 1,503,136 alleles (0.00027%); highest among the groups gnomAD compares: East Asian, 0.0081%; no homozygotes.

Submission:

Labcorp Genetics (formerly Invitae), Labcorp
Classification: Uncertain significance for Short-rib thoracic dysplasia 11 with or without polydactyly. Last evaluated: 2022-05-03. Review status: criteria provided, single submitter. Criteria: Invitae Variant Classification Sherloc (09022015). Collection method: clinical testing. Allele origin: germline.
Comment: In summary, the available evidence is currently insufficient to determine the role of this variant in disease. Therefore, it has been classified as a Variant of Uncertain Significance. Algorithms developed to predict the effect of missense changes on protein structure and function (SIFT, PolyPhen-2, Align-GVGD) all suggest that this variant is likely to be tolerated. This variant has not been reported in the literature in individuals affected with WDR34-related conditions. This variant is not present in population databases (gnomAD no frequency). This sequence change replaces glycine, which is neutral and non-polar, with aspartic acid, which is acidic and polar, at codon 17 of the WDR34 protein (p.Gly17Asp).